The following is an entry in ClinVar:

NM_198525.3(KIF7):c.2743C>A (p.Leu915Met)

Gene: KIF7 (kinesin family member 7; minus strand). Cytogenetic location: 15q26.1.
Variant type: single nucleotide variant.
Coding change: c.2743C>A on transcript NM_198525.3 (MANE Select); coding-DNA position 2743, C replaced by A.
Protein change: p.Leu915Met; replaces leucine 915 with methionine.
Molecular consequence: missense variant.
Genome position (GRCh38, 1-based): chr15:89,632,972, G>T on the plus strand (C>A on the coding strand, the complement: KIF7 is on the minus strand). VCF-style: chr15-89632972-G-T. GRCh37 (hg19) VCF-style: chr15-90176203-G-T.
Other names: short protein forms L915M.
Identifiers: ClinVar variation 2748557 (VCV002748557.3), dbSNP rs2505433268, ClinGen allele CA393758374.

ClinVar aggregate classification (germline): Uncertain significance (1 of 4 stars; one submission).

Conditions:
Acrocallosal syndrome (ACLS). Also called: Schinzel syndrome 1; Absence of corpus callosum with unusual facial appearance, mental deficiency, duplication of the halluces and polydactyly; HALLUX DUPLICATION, POSTAXIAL POLYDACTYLY, AND ABSENCE OF CORPUS CALLOSUM. Identifiers: Orphanet 36, MedGen C0796147, MONDO:0008708, OMIM 200990.

Submission:

Labcorp Genetics (formerly Invitae), Labcorp
Classification: Uncertain significance for Acrocallosal syndrome. Last evaluated: 2023-07-30. Review status: criteria provided, single submitter. Criteria: Invitae Variant Classification Sherloc (09022015). Collection method: clinical testing. Allele origin: germline.
Comment: In summary, the available evidence is currently insufficient to determine the role of this variant in disease. Therefore, it has been classified as a Variant of Uncertain Significance. Advanced modeling of protein sequence and biophysical properties (such as structural, functional, and spatial information, amino acid conservation, physicochemical variation, residue mobility, and thermodynamic stability) performed at Invitae indicates that this missense variant is expected to disrupt KIF7 protein function. This variant has not been reported in the literature in individuals affected with KIF7-related conditions. This variant is not present in population databases (gnomAD no frequency). This sequence change replaces leucine, which is neutral and non-polar, with methionine, which is neutral and non-polar, at codon 915 of the KIF7 protein (p.Leu915Met).